The following is an entry in ClinVar:

ClinVar aggregate classification (germline): Uncertain significance (1 of 4 stars; one submission).

Submission:

GeneDx
Classification: Uncertain significance. Last evaluated: 2022-07-14. Review status: criteria provided, single submitter. Criteria: GeneDx Variant Classification Process June 2021. Collection method: clinical testing. Allele origin: germline. Affected: yes.
Comment: Not observed at significant frequency in large population cohorts (gnomAD); In silico analysis supports that this missense variant has a deleterious effect on protein structure/function; Has not been previously published as pathogenic or benign to our knowledge

NM_170675.5(MEIS2):c.772A>G (p.Ser258Gly)

Gene: MEIS2 (Meis homeobox 2; minus strand). Cytogenetic location: 15q14.
Variant type: single nucleotide variant.
Coding change: c.772A>G on transcript NM_170675.5 (MANE Select); coding-DNA position 772, A replaced by G.
Protein change: p.Ser258Gly; replaces serine 258 with glycine.
Molecular consequence: missense variant. On other transcripts: non-coding transcript variant (1).
Genome position (GRCh38, 1-based): chr15:37,036,942, T>C on the plus strand (A>G on the coding strand, the complement: MEIS2 is on the minus strand). VCF-style: chr15-37036942-T-C. GRCh37 (hg19) VCF-style: chr15-37329143-T-C.
Other names: c.772A>G, p.Ser258Gly (NM_001220482.2, NM_170674.5, NM_170676.5 and 1 more transcripts); c.733A>G, p.Ser245Gly (NM_002399.4, NM_172315.3); c.508A>G, p.Ser170Gly (NM_172316.3); short protein forms S170G, S245G, S258G.
Identifiers: ClinVar variation 1878876 (VCV001878876.1), dbSNP rs2504981449, ClinGen allele CA391928128.